The following is an entry in ClinVar:

NM_201384.3(PLEC):c.12511C>A (p.Leu4171Met)

Gene: PLEC (plectin; minus strand). Cytogenetic location: 8q24.3.
Variant type: single nucleotide variant.
Coding change: c.12511C>A on transcript NM_201384.3 (MANE Select); coding-DNA position 12511, C replaced by A.
Protein change: p.Leu4171Met; replaces leucine 4171 with methionine.
Molecular consequence: missense variant.
Genome position (GRCh38, 1-based): chr8:143,917,310, G>T on the plus strand (C>A on the coding strand, the complement: PLEC is on the minus strand). VCF-style: chr8-143917310-G-T. GRCh37 (hg19) VCF-style: chr8-144991478-G-T.
Other names: c.12592C>A, p.Leu4198Met (NM_000445.5); c.9211C>A, p.Leu3071Met (NM_001410941.1); c.12469C>A, p.Leu4157Met (NM_201378.4); c.12445C>A, p.Leu4149Met (NM_201379.3); c.12922C>A, p.Leu4308Met (NM_201380.4); c.12415C>A, p.Leu4139Met (NM_201381.3); c.12511C>A, p.Leu4171Met (NM_201382.4); c.12523C>A, p.Leu4175Met (NM_201383.3); short protein forms L4157M, L4198M, L4308M, L4149M, L3071M, L4171M, L4139M, L4175M.
Identifiers: ClinVar variation 2941875 (VCV002941875.3), dbSNP rs2539215604, ClinGen allele CA372481233.

ClinVar aggregate classification (germline): Uncertain significance (1 of 4 stars; one submission).

Conditions:
Epidermolysis bullosa simplex with nail dystrophy (EBS5D). Identifiers: MedGen C4225309, MONDO:0014661, OMIM 616487.
Epidermolysis bullosa simplex, Ogna type (EBS5A). Also called: Pidermolysis bullosa simplex 5A, Ogna type; EPIDERMOLYSIS BULLOSA SIMPLEX 5A, OGNA TYPE. Identifiers: Orphanet 79401, MedGen C0432317, MONDO:0007555, OMIM 131950.
Autosomal recessive limb-girdle muscular dystrophy type 2Q (LGMDR17). Also called: MUSCULAR DYSTROPHY, LIMB-GIRDLE, AUTOSOMAL RECESSIVE 17. Identifiers: Orphanet 254361, MedGen C3150989, MONDO:0013390, OMIM 613723.
Epidermolysis bullosa simplex 5B, with muscular dystrophy (EBS5B). Also called: EPIDERMOLYSIS BULLOSA SIMPLEX AND LIMB-GIRDLE MUSCULAR DYSTROPHY; Epidermolysis bullosa simplex with muscular dystrophy. Identifiers: Orphanet 257, MedGen C2931072, MONDO:0009181, OMIM 226670.
Epidermolysis bullosa simplex 5C, with pyloric atresia (EBS5C). Also called: PLEC-Related Epidermolysis Bullosa with Pyloric Atresia; Epidermolysis bullosa simplex with pyloric atresia; PLEC1-Related Epidermolysis Bullosa with Pyloric Atresia. Identifiers: Orphanet 158684, MedGen C2677349, MONDO:0012807, OMIM 612138.

gnomAD v4.1: 1 of 1,609,558 alleles (0.000062%); no homozygotes.

Submission:

Labcorp Genetics (formerly Invitae), Labcorp
Classification: Uncertain significance for Autosomal recessive limb-girdle muscular dystrophy type 2Q; Epidermolysis bullosa simplex, Ogna type; Epidermolysis bullosa simplex with nail dystrophy; Epidermolysis bullosa simplex 5C, with pyloric atresia; Epidermolysis bullosa simplex 5B, with muscular dystrophy. Last evaluated: 2023-02-28. Review status: criteria provided, single submitter. Criteria: Invitae Variant Classification Sherloc (09022015). Collection method: clinical testing. Allele origin: germline.
Comment: This variant has not been reported in the literature in individuals affected with PLEC-related conditions. This variant is not present in population databases (gnomAD no frequency). This sequence change replaces leucine, which is neutral and non-polar, with methionine, which is neutral and non-polar, at codon 4198 of the PLEC protein (p.Leu4198Met). In summary, the available evidence is currently insufficient to determine the role of this variant in disease. Therefore, it has been classified as a Variant of Uncertain Significance. Advanced modeling of protein sequence and biophysical properties (such as structural, functional, and spatial information, amino acid conservation, physicochemical variation, residue mobility, and thermodynamic stability) has been performed at Invitae for this missense variant, however the output from this modeling did not meet the statistical confidence thresholds required to predict the impact of this variant on PLEC protein function.